The following is an entry in ClinVar:

ClinVar aggregate classification (germline): Benign. Review status: criteria provided, multiple submitters, no conflicts (2 of 4 stars). 2 submissions from 2 submitters: Benign (2). Last evaluated 2013-02-21.

Allele frequency attached by ClinVar (database versions not stated): 1000 Genomes Project 30x 0.00593; 1000 Genomes Project 0.00619; TOPMed 0.01130; gnomAD 0.01556 and 0.01608; ESP Exome Variant Server 0.01563; gnomAD exomes 0.01710 and 0.02010; ExAC 0.01825.
gnomAD v4.1: 31,436 of 1,604,670 alleles (2%); highest among the groups gnomAD compares: Non-Finnish European, 2.2%; 431 homozygotes.

Submissions (15):

Laboratory for Molecular Medicine, Mass General Brigham Personalized Medicine
Classification: Benign. Last evaluated: 2013-02-21. Review status: criteria provided, single submitter. Criteria: LMM Criteria. Collection method: clinical testing. Allele origin: germline. Observed: 4 variant alleles.
Comment: 1541-5G>A in intron 13 of MUC5B: This variant is not expected to have clinical s ignificance because it has been identified in 2.1% (177/8400) of European Americ an chromosomes from a broad population by the NHLBI Exome Sequencing Project (dbSNP rs138440673).

Breakthrough Genomics
Classification: Benign. Review status: criteria provided, single submitter. Criteria: ACMG Guidelines, 2015. Collection method: not provided. Allele origin: germline. Inheritance: Autosomal dominant inheritance. Affected: yes.

Dr. Peter K. Rogan Lab, Western University
No classification provided (evidence only). Condition: Lung cancer. Review status: no classification provided. Collection method: in vitro. Allele origin: not applicable. Functional consequence: retained intron. Not counted in ClinVar's aggregate classification.

Dr. Peter K. Rogan Lab, Western University
No classification provided (evidence only). Condition: Familial cancer of breast. Review status: no classification provided. Collection method: in vitro. Allele origin: not applicable. Functional consequence: retained intron. Not counted in ClinVar's aggregate classification.

Dr. Peter K. Rogan Lab, Western University
No classification provided (evidence only). Condition: Familial cancer of breast. Review status: no classification provided. Collection method: in vitro. Allele origin: not applicable. Functional consequence: retained intron. Not counted in ClinVar's aggregate classification.

Dr. Peter K. Rogan Lab, Western University
No classification provided (evidence only). Condition: Acute myeloid leukemia. Review status: no classification provided. Collection method: in vitro. Allele origin: not applicable. Functional consequence: retained intron. Not counted in ClinVar's aggregate classification.

Dr. Peter K. Rogan Lab, Western University
No classification provided (evidence only). Condition: Colon adenocarcinoma. Review status: no classification provided. Collection method: in vitro. Allele origin: not applicable. Functional consequence: retained intron. Not counted in ClinVar's aggregate classification.

Dr. Peter K. Rogan Lab, Western University
No classification provided (evidence only). Condition: Colon adenocarcinoma. Review status: no classification provided. Collection method: in vitro. Allele origin: not applicable. Functional consequence: retained intron. Not counted in ClinVar's aggregate classification.

Dr. Peter K. Rogan Lab, Western University
No classification provided (evidence only). Condition: Uterine corpus endometrial carcinoma. Review status: no classification provided. Collection method: in vitro. Allele origin: not applicable. Functional consequence: retained intron. Not counted in ClinVar's aggregate classification.

Dr. Peter K. Rogan Lab, Western University
No classification provided (evidence only). Condition: Cervical cancer. Review status: no classification provided. Collection method: in vitro. Allele origin: not applicable. Functional consequence: retained intron. Not counted in ClinVar's aggregate classification.

Dr. Peter K. Rogan Lab, Western University
No classification provided (evidence only). Condition: Cervical cancer. Review status: no classification provided. Collection method: in vitro. Allele origin: not applicable. Functional consequence: retained intron. Not counted in ClinVar's aggregate classification.

Dr. Peter K. Rogan Lab, Western University
No classification provided (evidence only). Condition: Thymoma. Review status: no classification provided. Collection method: in vitro. Allele origin: not applicable. Functional consequence: retained intron. Not counted in ClinVar's aggregate classification.

Dr. Peter K. Rogan Lab, Western University
No classification provided (evidence only). Condition: Malignant tumor of esophagus. Review status: no classification provided. Collection method: in vitro. Allele origin: not applicable. Functional consequence: retained intron. Not counted in ClinVar's aggregate classification.

Dr. Peter K. Rogan Lab, Western University
No classification provided (evidence only). Condition: Malignant tumor of esophagus. Review status: no classification provided. Collection method: in vitro. Allele origin: not applicable. Functional consequence: retained intron. Not counted in ClinVar's aggregate classification.

Dr. Peter K. Rogan Lab, Western University
No classification provided (evidence only). Condition: Malignant tumor of esophagus. Review status: no classification provided. Collection method: in vitro. Allele origin: not applicable. Functional consequence: retained intron. Not counted in ClinVar's aggregate classification.

NM_002458.3(MUC5B):c.1541-5G>A

Gene: MUC5B (mucin 5B, oligomeric mucus/gel-forming; plus strand). Cytogenetic location: 11p15.5.
Variant type: single nucleotide variant.
Coding change: c.1541-5G>A on transcript NM_002458.3 (MANE Select); 5 bases into the intron before coding-DNA position 1541, G replaced by A.
Molecular consequence: intron variant.
Genome position (GRCh38, 1-based): chr11:1,231,418, G>A. VCF-style: chr11-1231418-G-A. GRCh37 (hg19) VCF-style: chr11-1252648-G-A.
Identifiers: ClinVar variation 226733 (VCV000226733.6), dbSNP rs138440673, ClinGen allele CA5804343.